The following is an entry in ClinVar:

NM_003151.4(STAT4):c.864T>C (p.Tyr288=)

Gene: STAT4 (signal transducer and activator of transcription 4; minus strand). Cytogenetic location: 2q32.2.
Variant type: single nucleotide variant.
Coding change: c.864T>C on transcript NM_003151.4 (MANE Select); coding-DNA position 864, T replaced by C.
Protein change: p.Tyr288=; no amino-acid change (tyrosine 288 retained).
Molecular consequence: synonymous variant.
Genome position (GRCh38, 1-based): chr2:191,062,839, A>G on the plus strand (T>C on the coding strand, the complement: STAT4 is on the minus strand). VCF-style: chr2-191062839-A-G. GRCh37 (hg19) VCF-style: chr2-191927565-A-G.
Other names: c.864T>C, p.Tyr288= (NM_001243835.2).
Identifiers: ClinVar variation 1169529 (VCV001169529.33), dbSNP rs138535661, ClinGen allele CA2030766.

ClinVar aggregate classification (germline): Benign/Likely benign. Review status: criteria provided, multiple submitters, no conflicts (2 of 4 stars). 2 submissions from 2 submitters: Benign (1); Likely benign (1). Last evaluated 2026-01-28.

Allele frequency attached by ClinVar (database versions not stated): 1000 Genomes Project 30x 0.00016; 1000 Genomes Project 0.00020; TOPMed 0.00037; ESP Exome Variant Server 0.00038; gnomAD exomes 0.00040 and 0.00068; gnomAD 0.00048; ExAC 0.00065.
gnomAD v4.1: 663 of 1,613,938 alleles (0.041%); highest among the groups gnomAD compares: Admixed American, 0.17%; 2 homozygotes.

Submissions (2):

Labcorp Genetics (formerly Invitae), Labcorp
Classification: Benign. Last evaluated: 2026-01-28. Review status: criteria provided, single submitter. Criteria: Invitae Variant Classification Sherloc (09022015). Collection method: clinical testing. Allele origin: germline.

CeGaT Center for Human Genetics Tuebingen
Classification: Likely benign. Last evaluated: 2025-12-01. Review status: criteria provided, single submitter. Criteria: CeGaT Center For Human Genetics Tuebingen Variant Classification Criteria Version 2. Collection method: clinical testing. Allele origin: germline. Affected: yes. Observed: 4 variant alleles.
Comment: STAT4: BP4, BP7